The following is an entry in ClinVar:

ClinVar aggregate classification (germline): Uncertain significance. Review status: criteria provided, multiple submitters, no conflicts (2 of 4 stars). 3 submissions from 3 submitters: Uncertain significance (3). Last evaluated 2025-02-21.

Conditions:
Hereditary cancer-predisposing syndrome. Also called: Tumor predisposition; Hereditary Cancer Syndrome; Hereditary neoplastic syndrome; Neoplastic Syndromes, Hereditary. Identifiers: Orphanet 140162, MedGen C0027672, MeSH D009386, MONDO:0015356.
Familial cancer of breast. Also called: BREAST CANCER, FAMILIAL; Hereditary breast cancer; hereditary breast carcinoma. Identifiers: Orphanet 227535, MedGen C0346153, MONDO:0016419, OMIM 114480. Disease mechanism: loss of function.

Submissions (3):

Ambry Genetics
Classification: Uncertain significance for Hereditary cancer-predisposing syndrome. Last evaluated: 2025-02-21. Review status: criteria provided, single submitter. Criteria: Ambry Variant Classification Scheme 2023. Collection method: clinical testing. Allele origin: germline.
Comment: The p.P225S variant (also known as c.673C>T), located in coding exon 4 of the PALB2 gene, results from a C to T substitution at nucleotide position 673. The proline at codon 225 is replaced by serine, an amino acid with similar properties. This amino acid position is not well conserved in available vertebrate species. In addition, this alteration is predicted to be tolerated by in silico analysis. Since supporting evidence is limited at this time, the clinical significance of this alteration remains unclear.

Color Diagnostics, LLC DBA Color Health
Classification: Uncertain significance for Hereditary cancer-predisposing syndrome. Last evaluated: 2023-12-05. Review status: criteria provided, single submitter. Criteria: ACMG Guidelines, 2015. Collection method: clinical testing. Allele origin: germline.
Comment: This missense variant replaces proline with serine at codon 225 of the PALB2 protein. Computational prediction suggests that this variant may not impact protein structure and function (internally defined REVEL score threshold <= 0.5, PMID: 27666373). To our knowledge, functional studies have not been reported for this variant. This variant has not been reported in individuals affected with PALB2-related disorders in the literature. This variant has not been identified in the general population by the Genome Aggregation Database (gnomAD). The available evidence is insufficient to determine the role of this variant in disease conclusively. Therefore, this variant is classified as a Variant of Uncertain Significance.

Labcorp Genetics (formerly Invitae), Labcorp
Classification: Uncertain significance for Familial cancer of breast. Last evaluated: 2021-08-17. Review status: criteria provided, single submitter. Criteria: Invitae Variant Classification Sherloc (09022015). Collection method: clinical testing. Allele origin: germline.
Comment: Algorithms developed to predict the effect of missense changes on protein structure and function output the following: (SIFT: "Deleterious"; PolyPhen-2: "Benign"; Align-GVGD: "Class C0"). The serine amino acid residue is also found in multiple mammalian species, suggesting that this missense change does not adversely affect protein function. These predictions have not been confirmed by published functional studies. This variant is not present in population databases (ExAC no frequency) and has not been reported in the literature in individuals with a PALB2-related disease. This sequence change replaces proline with serine at codon 225 of the PALB2 protein (p.Pro225Ser). The proline residue is moderately conserved and there is a moderate physicochemical difference between proline and serine. In summary, this variant is a novel missense change with uncertain impact on protein function. It has been classified as a Variant of Uncertain Significance.

NM_024675.4(PALB2):c.673C>T (p.Pro225Ser)

Gene: PALB2 (partner and localizer of BRCA2; minus strand). Cytogenetic location: 16p12.2.
Variant type: single nucleotide variant.
Coding change: c.673C>T on transcript NM_024675.4 (MANE Select); coding-DNA position 673, C replaced by T.
Protein change: p.Pro225Ser; replaces proline 225 with serine.
Molecular consequence: missense variant.
Genome position (GRCh38, 1-based): chr16:23,635,873, G>A on the plus strand (C>T on the coding strand, the complement: PALB2 is on the minus strand). VCF-style: chr16-23635873-G-A. GRCh37 (hg19) VCF-style: chr16-23647194-G-A.
Other names: short protein forms P225S.
Identifiers: ClinVar variation 410129 (VCV000410129.19), dbSNP rs1060502749, ClinGen allele CA16614869.